The following is an entry in ClinVar:

NM_000368.5(TSC1):c.239_240del (p.Val80fs)

Gene: TSC1 (TSC complex subunit 1; minus strand). Cytogenetic location: 9q34.13.
Variant type: Microsatellite.
Coding change: c.239_240del on transcript NM_000368.5 (MANE Select); coding-DNA positions 239 to 240, 2 bases deleted (TG; older notation c.239_240delTG).
Protein change: p.Val80fs; shifts the reading frame from valine 80.
Molecular consequence: frameshift variant. On other transcripts: 5 prime UTR variant (1), intron variant (1).
Genome position (GRCh38, 1-based): chr9:132,925,710-132,925,711, CA deleted on the plus strand (TG on the coding strand, the reverse complement: TSC1 is on the minus strand); deleting any 2 consecutive bases within chr9:132,925,710-132,925,713 gives the same sequence; the c. name uses the placement nearest the transcript's 3' end. VCF-style (leftmost placement, unchanged base first): chr9-132925709-CCA-C. GRCh37 (hg19) VCF-style: chr9-135801096-CCA-C.
Other names: c.239_240del, p.Val80fs (NM_001162426.2); c.-127TG[1] (NM_001362177.2); c.210+1490_210+1491del (NM_001162427.2); short protein forms V80fs.
Identifiers: ClinVar variation 1163322 (VCV001163322.5), dbSNP rs2132237554, ClinGen allele CA2580617124.

ClinVar aggregate classification (germline): Pathogenic (1 of 4 stars; one submission).

Submission:

Mayo Clinic Laboratories, Mayo Clinic
Classification: Pathogenic. Last evaluated: 2020-03-11. Review status: criteria provided, single submitter. Criteria: ACMG Guidelines, 2015. Collection method: clinical testing. Allele origin: germline. Observed: 1 variant allele.
Comment: PVS1, PM2, PP4